The following is an entry in ClinVar:

ClinVar aggregate classification (germline): Uncertain significance (1 of 4 stars; one submission).

Submission:

CeGaT Center for Human Genetics Tuebingen
Classification: Uncertain significance. Last evaluated: 2026-03-01. Review status: criteria provided, single submitter. Criteria: CeGaT Center For Human Genetics Tuebingen Variant Classification Criteria Version 2. Collection method: clinical testing. Allele origin: germline. Affected: yes. Observed: 1 variant allele.
Comment: ATP1A2: PM2, PP3

NM_000702.4(ATP1A2):c.1964G>A (p.Arg655Lys)

Gene: ATP1A2 (ATPase Na+/K+ transporting subunit alpha 2; plus strand). Cytogenetic location: 1q23.2.
Variant type: single nucleotide variant.
Coding change: c.1964G>A on transcript NM_000702.4 (MANE Select); coding-DNA position 1964, G replaced by A.
Protein change: p.Arg655Lys; replaces arginine 655 with lysine.
Molecular consequence: missense variant.
Genome position (GRCh38, 1-based): chr1:160,134,620, G>A. VCF-style: chr1-160134620-G-A. GRCh37 (hg19) VCF-style: chr1-160104410-G-A.
Other names: short protein forms R655K.
Identifiers: ClinVar variation 4823608 (VCV004823608.4).